The following is an entry in ClinVar:

NM_001376.5(DYNC1H1):c.5075T>G (p.Ile1692Ser)

Gene: DYNC1H1 (dynein cytoplasmic 1 heavy chain 1; plus strand). Cytogenetic location: 14q32.31.
Variant type: single nucleotide variant.
Coding change: c.5075T>G on transcript NM_001376.5 (MANE Select); coding-DNA position 5075, T replaced by G.
Protein change: p.Ile1692Ser; replaces isoleucine 1692 with serine.
Molecular consequence: missense variant.
Genome position (GRCh38, 1-based): chr14:102,004,787, T>G. VCF-style: chr14-102004787-T-G. GRCh37 (hg19) VCF-style: chr14-102471124-T-G.
Other names: short protein forms I1692S.
Identifiers: ClinVar variation 5040373 (VCV005040373.1).

ClinVar aggregate classification (germline): Uncertain significance (1 of 4 stars; one submission).

Submission:

CeGaT Center for Human Genetics Tuebingen
Classification: Uncertain significance. Last evaluated: 2026-08-01. Review status: criteria provided, single submitter. Criteria: CeGaT Center For Human Genetics Tuebingen Variant Classification Criteria Version 2. Collection method: clinical testing. Allele origin: germline. Affected: yes. Observed: 1 variant allele.
Comment: DYNC1H1: PM2